The following is an entry in ClinVar:

ClinVar aggregate classification (germline): Likely benign. Review status: criteria provided, multiple submitters, no conflicts (2 of 4 stars). 2 submissions from 2 submitters: Likely benign (2). Last evaluated 2018-06-14.

Allele frequency attached by ClinVar (database versions not stated): 1000 Genomes Project 0.00739; 1000 Genomes Project 30x 0.00750; gnomAD 0.00923 and 0.00928; TOPMed 0.01005.

Submissions (2):

GeneDx
Classification: Likely benign. Last evaluated: 2018-06-14. Review status: criteria provided, single submitter. Criteria: GeneDx Variant Classification (06012015). Collection method: clinical testing. Allele origin: germline. Affected: yes.
Comment: This variant is considered likely benign or benign based on one or more of the following criteria: it is a conservative change, it occurs at a poorly conserved position in the protein, it is predicted to be benign by multiple in silico algorithms, and/or has population frequency not consistent with disease.

Breakthrough Genomics
Classification: Likely benign. Review status: criteria provided, single submitter. Criteria: ACMG Guidelines, 2015. Collection method: not provided. Allele origin: germline. Inheritance: Autosomal recessive inheritance. Affected: yes.

NM_014874.4(MFN2):c.600-116G>A

Gene: MFN2 (mitofusin 2; plus strand). Cytogenetic location: 1p36.22.
Variant type: single nucleotide variant.
Coding change: c.600-116G>A on transcript NM_014874.4 (MANE Select); 116 bases into the intron before coding-DNA position 600, G replaced by A.
Molecular consequence: intron variant.
Genome position (GRCh38, 1-based): chr1:11,998,654, G>A. VCF-style: chr1-11998654-G-A. GRCh37 (hg19) VCF-style: chr1-12058711-G-A.
Other names: c.600-116G>A (NM_001127660.2).
Identifiers: ClinVar variation 670701 (VCV000670701.2), dbSNP rs41278624, ClinGen allele CA10799832.